The following is an entry in ClinVar:

NM_001291303.3(FAT4):c.4649T>A (p.Ile1550Asn)

Gene: FAT4 (FAT atypical cadherin 4; plus strand). Cytogenetic location: 4q28.1.
Variant type: single nucleotide variant.
Coding change: c.4649T>A on transcript NM_001291303.3 (MANE Select); coding-DNA position 4649, T replaced by A.
Protein change: p.Ile1550Asn; replaces isoleucine 1550 with asparagine.
Molecular consequence: missense variant.
Genome position (GRCh38, 1-based): chr4:125,321,060, T>A. VCF-style: chr4-125321060-T-A. GRCh37 (hg19) VCF-style: chr4-126242215-T-A.
Other names: c.4649T>A, p.Ile1550Asn (NM_001291285.3, NM_024582.6); short protein forms I1550N.
Identifiers: ClinVar variation 2015578 (VCV002015578.4), dbSNP rs2530453469, ClinGen allele CA358127298.

ClinVar aggregate classification (germline): Uncertain significance (1 of 4 stars; one submission).

Submission:

Labcorp Genetics (formerly Invitae), Labcorp
Classification: Uncertain significance. Last evaluated: 2024-07-23. Review status: criteria provided, single submitter. Criteria: Invitae Variant Classification Sherloc (09022015). Collection method: clinical testing. Allele origin: germline.
Comment: This sequence change replaces isoleucine, which is neutral and non-polar, with asparagine, which is neutral and polar, at codon 1550 of the FAT4 protein (p.Ile1550Asn). This variant is not present in population databases (gnomAD no frequency). This variant has not been reported in the literature in individuals affected with FAT4-related conditions. ClinVar contains an entry for this variant (Variation ID: 2015578). Advanced modeling of protein sequence and biophysical properties (such as structural, functional, and spatial information, amino acid conservation, physicochemical variation, residue mobility, and thermodynamic stability) performed at Invitae indicates that this missense variant is expected to disrupt FAT4 protein function with a positive predictive value of 80%. In summary, the available evidence is currently insufficient to determine the role of this variant in disease. Therefore, it has been classified as a Variant of Uncertain Significance.